The following is an entry in ClinVar:

NM_000368.5(TSC1):c.2161C>G (p.Arg721Gly)

Gene: TSC1 (TSC complex subunit 1; minus strand). Cytogenetic location: 9q34.13.
Variant type: single nucleotide variant.
Coding change: c.2161C>G on transcript NM_000368.5 (MANE Select); coding-DNA position 2161, C replaced by G.
Protein change: p.Arg721Gly; replaces arginine 721 with glycine.
Molecular consequence: missense variant.
Genome position (GRCh38, 1-based): chr9:132,903,698, G>C on the plus strand (C>G on the coding strand, the complement: TSC1 is on the minus strand). VCF-style: chr9-132903698-G-C. GRCh37 (hg19) VCF-style: chr9-135779085-G-C.
Other names: c.2161C>G (NM_000368.4); c.2158C>G, p.Arg720Gly (NM_001162426.2); c.2008C>G, p.Arg670Gly (NM_001162427.2); c.1798C>G, p.Arg600Gly (NM_001362177.2); short protein forms R600G, R670G, R720G, R721G.
Identifiers: ClinVar variation 1016116 (VCV001016116.15), dbSNP rs763357144, ClinGen allele CA375360817.

ClinVar aggregate classification (germline): Uncertain significance. Review status: criteria provided, multiple submitters, no conflicts (2 of 4 stars). 4 submissions from 4 submitters: Uncertain significance (4). Last evaluated 2026-09-11.

Conditions:
Hereditary cancer-predisposing syndrome. Also called: Tumor predisposition; Hereditary Cancer Syndrome; Hereditary neoplastic syndrome; Neoplastic Syndromes, Hereditary. Identifiers: Orphanet 140162, MedGen C0027672, MeSH D009386, MONDO:0015356.
Tuberous sclerosis 1 (TSC1). Identifiers: Orphanet 805, MedGen C1854465, MONDO:0008612, OMIM 191100.
Tuberous sclerosis syndrome (TSC). Also called: Tuberous Sclerosis Complex; Tuberous sclerosis. Identifiers: Orphanet 805, MedGen C0041341, MONDO:0001734.

gnomAD v4.1: 3 of 1,612,928 alleles (0.00019%); highest among the groups gnomAD compares: Admixed American, 0.005%; no homozygotes.

Submissions (4):

Ambry Genetics
Classification: Uncertain significance for Hereditary cancer-predisposing syndrome. Last evaluated: 2026-09-11. Review status: criteria provided, single submitter. Criteria: Ambry Variant Classification Scheme 2023. Collection method: clinical testing. Allele origin: germline.
Comment: The p.R721G variant (also known as c.2161C>G), located in coding exon 15 of the TSC1 gene, results from a C to G substitution at nucleotide position 2161. The arginine at codon 721 is replaced by glycine, an amino acid with dissimilar properties. This amino acid position is conserved. In addition, this alteration is predicted to be deleterious by in silico analysis. Based on the available evidence, the clinical significance of this variant remains unclear.

Color Diagnostics, LLC DBA Color Health
Classification: Uncertain significance for Tuberous sclerosis syndrome. Last evaluated: 2025-01-06. Review status: criteria provided, single submitter. Criteria: ACMG Guidelines, 2015. Collection method: clinical testing. Allele origin: germline.
Comment: This missense variant replaces arginine with glycine at codon 721 of the TSC1 protein. Computational prediction is inconclusive regarding the impact of this variant on protein structure and function. To our knowledge, functional studies have not been reported for this variant. This variant has not been reported in individuals affected with TSC1-related disorders in the literature. This variant has been identified in 3/251250 chromosomes in the general population by the Genome Aggregation Database (gnomAD). The available evidence is insufficient to determine the role of this variant in disease conclusively. Therefore, this variant is classified as a Variant of Uncertain Significance.

All of Us Research Program, National Institutes of Health
Classification: Uncertain significance for Tuberous sclerosis syndrome. Last evaluated: 2024-08-31. Review status: criteria provided, single submitter. Criteria: ACMG Guidelines, 2015. Collection method: clinical testing. Allele origin: germline. Inheritance: Autosomal dominant inheritance. Observed: 2 variant alleles, 2 heterozygotes.
Comment: This missense variant replaces arginine with glycine at codon 721 of the TSC1 protein. Computational prediction is inconclusive regarding the impact of this variant on protein structure and function (internally defined REVEL score threshold 0.5 < inconclusive < 0.7, PMID: 27666373). To our knowledge, functional studies have not been reported for this variant. This variant has not been reported in individuals affected with TSC1-related disorders in the literature. This variant has been identified in 3/251250 chromosomes in the general population by the Genome Aggregation Database (gnomAD). The available evidence is insufficient to determine the role of this variant in disease conclusively. Therefore, this variant is classified as a Variant of Uncertain Significance.

This study involves interpretation of variants in research participants for the purpose of population health screening. Participant phenotype was not available at the time of variant classification. Additional details can be found in publication PMID: 35346344, PMCID: PMC8962531

Labcorp Genetics (formerly Invitae), Labcorp
Classification: Uncertain significance for Tuberous sclerosis 1. Last evaluated: 2022-06-28. Review status: criteria provided, single submitter. Criteria: Invitae Variant Classification Sherloc (09022015). Collection method: clinical testing. Allele origin: germline.
Comment: In summary, the available evidence is currently insufficient to determine the role of this variant in disease. Therefore, it has been classified as a Variant of Uncertain Significance. Algorithms developed to predict the effect of missense changes on protein structure and function (SIFT, PolyPhen-2, Align-GVGD) all suggest that this variant is likely to be tolerated. ClinVar contains an entry for this variant (Variation ID: 1016116). This variant has not been reported in the literature in individuals affected with TSC1-related conditions. This variant is present in population databases (no rsID available, gnomAD 0.009%). This sequence change replaces arginine, which is basic and polar, with glycine, which is neutral and non-polar, at codon 721 of the TSC1 protein (p.Arg721Gly).